The following is an entry in ClinVar:

ClinVar aggregate classification (germline): Uncertain significance (1 of 4 stars; one submission).

Allele frequency attached by ClinVar (database versions not stated): gnomAD 0.00004; gnomAD exomes 0.00004; TOPMed 0.00005; ExAC 0.00007; ESP Exome Variant Server 0.00015.
gnomAD v4.1: 67 of 1,613,860 alleles (0.0042%); highest among the groups gnomAD compares: Non-Finnish European, 0.00076%; no homozygotes.

Submission:

Ambry Genetics
Classification: Uncertain significance. Last evaluated: 2024-04-04. Review status: criteria provided, single submitter. Criteria: Ambry Variant Classification Scheme 2023. Collection method: clinical testing. Allele origin: germline.
Comment: The p.S781C variant (also known as c.2342C>G), located in coding exon 13 of the PKP4 gene, results from a C to G substitution at nucleotide position 2342. The serine at codon 781 is replaced by cysteine, an amino acid with dissimilar properties. This amino acid position is conserved. In addition, the in silico prediction for this alteration is inconclusive. Since supporting evidence is limited at this time, the clinical significance of this alteration remains unclear.

NM_003628.6(PKP4):c.2342C>G (p.Ser781Cys)

Genes: PKP4 (plakophilin 4; plus strand), PKP4-AS1 (PKP4 antisense RNA 1; minus strand). Cytogenetic location: 2q24.1.
Variant type: single nucleotide variant.
Coding change: c.2342C>G on transcript NM_003628.6 (MANE Select); coding-DNA position 2342, C replaced by G.
Protein change: p.Ser781Cys; replaces serine 781 with cysteine.
Molecular consequence: missense variant.
Genome position (GRCh38, 1-based): chr2:158,663,027, C>G. VCF-style: chr2-158663027-C-G. GRCh37 (hg19) VCF-style: chr2-159519539-C-G.
Other names: c.2342C>G, p.Ser781Cys (NM_001005476.4, NM_001304971.2, NM_001377218.1 and 1 more transcripts); c.2339C>G, p.Ser780Cys (NM_001304969.3, NM_001377219.1, NM_001377220.1 and 2 more transcripts); c.1313C>G, p.Ser438Cys (NM_001304970.3); c.2336C>G, p.Ser779Cys (NM_001377222.1, NM_001377223.1); c.2333C>G, p.Ser778Cys (NM_001377224.1); short protein forms S438C, S779C, S780C, S778C, S781C.
Identifiers: ClinVar variation 1789886 (VCV001789886.3), dbSNP rs142454076, ClinGen allele CA1920974.
Genomic context (GRCh38, chr2:158,663,027, plus strand): 5'-GGTTACTGGGACTGAACGAATTGGATGACTTACTAGGAAAAGAGTCTCCCAGCAAAGACT[C>G]TGAGCCAAGTTGCTGGGGGAAGAAGAAGAAAAAGAAAAAGAGGACTCCGCAAGAAGATCA-3'
Protein context (NP_003619.2, residues 771-791): LLGKESPSKD[Ser781Cys]EPSCWGKKKK